The following is an entry in ClinVar:

NM_004859.4(CLTC):c.4671T>G (p.Phe1557Leu)

Gene: CLTC (clathrin heavy chain; plus strand). Cytogenetic location: 17q23.1.
Variant type: single nucleotide variant.
Coding change: c.4671T>G on transcript NM_004859.4 (MANE Select); coding-DNA position 4671, T replaced by G.
Protein change: p.Phe1557Leu; replaces phenylalanine 1557 with leucine.
Molecular consequence: missense variant.
Genome position (GRCh38, 1-based): chr17:59,685,652, T>G. VCF-style: chr17-59685652-T-G. GRCh37 (hg19) VCF-style: chr17-57763013-T-G.
Other names: c.4683T>G, p.Phe1561Leu (NM_001288653.2); short protein forms F1561L, F1557L.
Identifiers: ClinVar variation 4740406 (VCV004740406.1).

ClinVar aggregate classification (germline): Uncertain significance (1 of 4 stars; one submission).

Submission:

Labcorp Genetics (formerly Invitae), Labcorp
Classification: Uncertain significance. Last evaluated: 2025-07-23. Review status: criteria provided, single submitter. Criteria: Invitae Variant Classification Sherloc (09022015). Collection method: clinical testing. Allele origin: germline.
Comment: This sequence change replaces phenylalanine, which is neutral and non-polar, with leucine, which is neutral and non-polar, at codon 1561 of the CLTC protein (p.Phe1561Leu). This variant is not present in population databases (gnomAD no frequency). This missense change has been observed in individual(s) with CLTC-related conditions (PMID: 33004838). Invitae Evidence Modeling of protein sequence and biophysical properties (such as structural, functional, and spatial information, amino acid conservation, physicochemical variation, residue mobility, and thermodynamic stability) indicates that this missense variant is not expected to disrupt CLTC protein function with a negative predictive value of 80%. In summary, the available evidence is currently insufficient to determine the role of this variant in disease. Therefore, it has been classified as a Variant of Uncertain Significance.

Literature cited by the submitters: PubMed 33004838.